The following is an entry in ClinVar:

NM_000465.4(BARD1):c.1315-19_1315-18inv

Gene: BARD1 (BRCA1 associated RING domain 1; minus strand). Cytogenetic location: 2q35.
Variant type: Inversion.
Coding change: c.1315-19_1315-18inv on transcript NM_000465.4 (MANE Select).
Molecular consequence: intron variant.
Genome position: GRCh38 VCF-style: chr2-214769330-AC-GT. GRCh37 (hg19) VCF-style: chr2-215634054-AC-GT.
Other names: c.159-16776_159-16775inv (NM_001282548.2); c.1258-19_1258-18inv (NM_001282543.2); c.216-16776_216-16775inv (NM_001282545.2); c.364+22966_364+22967inv (NM_001282549.2).
Identifiers: ClinVar variation 3379043 (VCV003379043.3).

ClinVar aggregate classification (germline): Conflicting classifications of pathogenicity. Review status: criteria provided, conflicting classifications (1 of 4 stars). 2 submissions from 2 submitters: Uncertain significance (1); Likely benign (1). Last evaluated 2024-12-30.

Conditions:
Familial cancer of breast. Also called: hereditary breast carcinoma; Hereditary breast cancer; BREAST CANCER, FAMILIAL. Identifiers: Orphanet 227535, MedGen C0346153, MONDO:0016419, OMIM 114480. Disease mechanism: loss of function.

Submissions (2):

Labcorp Genetics (formerly Invitae), Labcorp
Classification: Uncertain significance for Familial cancer of breast. Last evaluated: 2024-12-30. Review status: criteria provided, single submitter. Criteria: Invitae Variant Classification Sherloc (09022015). Collection method: clinical testing. Allele origin: germline.
Comment: This sequence change falls in intron 4 of the BARD1 gene. It does not directly change the encoded amino acid sequence of the BARD1 protein. Information on the frequency of this variant in the gnomAD database is not available, as this variant may be reported differently in the database. This variant has not been reported in the literature in individuals affected with BARD1-related conditions. Experimental studies and prediction algorithms are not available or were not evaluated, and the effect of this variant on mRNA splicing is currently unknown. In summary, the available evidence is currently insufficient to determine the role of this variant in disease. Therefore, it has been classified as a Variant of Uncertain Significance.

Myriad Genetics, Inc.
Classification: Likely benign for Familial cancer of breast. Last evaluated: 2024-07-24. Review status: criteria provided, single submitter. Criteria: Myriad Autosomal Dominant, Autosomal Recessive and X-Linked Classification Criteria (2023). Collection method: clinical testing. Allele origin: unknown.
Comment: This variant is considered likely benign. This variant is intronic and is not expected to impact mRNA splicing.